The following is an entry in ClinVar:

NM_001005373.4(LRSAM1):c.1836C>T (p.Gly612=)

Gene: LRSAM1 (leucine rich repeat and sterile alpha motif containing 1; plus strand). Cytogenetic location: 9q33.3.
Variant type: single nucleotide variant.
Coding change: c.1836C>T on transcript NM_001005373.4 (MANE Select); coding-DNA position 1836, C replaced by T.
Protein change: p.Gly612=; no amino-acid change (glycine 612 retained).
Molecular consequence: synonymous variant. On other transcripts: non-coding transcript variant (2).
Genome position (GRCh38, 1-based): chr9:127,497,258, C>T. VCF-style: chr9-127497258-C-T. GRCh37 (hg19) VCF-style: chr9-130259537-C-T.
Other names: c.1836C>T, p.Gly612= (NM_001005374.4, NM_001384142.1, NM_138361.5); c.1755C>T, p.Gly585= (NM_001190723.3); c.1737C>T, p.Gly579= (NM_001384143.1); c.1047C>T, p.Gly349= (NM_001384144.1).
Identifiers: ClinVar variation 472796 (VCV000472796.10), dbSNP rs577254396, ClinGen allele CA5247161.

ClinVar aggregate classification (germline): Likely benign. Review status: criteria provided, multiple submitters, no conflicts (2 of 4 stars). 3 submissions from 3 submitters: Likely benign (3). Last evaluated 2025-09-03.

Conditions:
LRSAM1-related disorder. Also called: LRSAM1-related condition.
Charcot-Marie-Tooth disease axonal type 2P. Also called: CHARCOT-MARIE-TOOTH NEUROPATHY, TYPE 2P; Charcot-Marie-Tooth Neuropathy Type 2G; CHARCOT-MARIE-TOOTH DISEASE, AXONAL, TYPE 2G; CMT 2G. Identifiers: Orphanet 300319, Orphanet 99941, MedGen C3280797, MONDO:0013753, OMIM 614436.

Allele frequency attached by ClinVar (database versions not stated): TOPMed below 0.00001; gnomAD 0.00001 and 0.00002; gnomAD exomes 0.00003; ExAC 0.00005; 1000 Genomes Project 30x 0.00016; 1000 Genomes Project 0.00020.
gnomAD v4.1: 44 of 1,613,116 alleles (0.0027%); highest among the groups gnomAD compares: South Asian, 0.016%; no homozygotes.

Submissions (3):

PreventionGenetics, part of Exact Sciences
Classification: Likely benign for LRSAM1-related condition. Last evaluated: 2025-09-03. Review status: criteria provided, single submitter. Criteria: ACMG Guidelines, 2015. Collection method: clinical testing. Allele origin: germline.
Comment: This variant is classified as likely benign based on ACMG/AMP sequence variant interpretation guidelines (Richards et al. 2015 PMID: 25741868, with internal and published modifications).

Labcorp Genetics (formerly Invitae), Labcorp
Classification: Likely benign for Charcot-Marie-Tooth disease axonal type 2P. Last evaluated: 2024-05-31. Review status: criteria provided, single submitter. Criteria: Invitae Variant Classification Sherloc (09022015). Collection method: clinical testing. Allele origin: germline.

GeneDx
Classification: Likely benign. Last evaluated: 2017-11-30. Review status: criteria provided, single submitter. Criteria: GeneDx Variant Classification (06012015). Collection method: clinical testing. Allele origin: germline. Affected: yes.
Comment: This variant is considered likely benign or benign based on one or more of the following criteria: it is a conservative change, it occurs at a poorly conserved position in the protein, it is predicted to be benign by multiple in silico algorithms, and/or has population frequency not consistent with disease.